The following is an entry in ClinVar:

NM_020937.4(FANCM):c.5485T>C (p.Ser1829Pro)

Gene: FANCM (FA complementation group M; plus strand). Cytogenetic location: 14q21.2.
Variant type: single nucleotide variant.
Coding change: c.5485T>C on transcript NM_020937.4 (MANE Select); coding-DNA position 5485, T replaced by C.
Protein change: p.Ser1829Pro; replaces serine 1829 with proline.
Molecular consequence: missense variant.
Genome position (GRCh38, 1-based): chr14:45,196,316, T>C. VCF-style: chr14-45196316-T-C. GRCh37 (hg19) VCF-style: chr14-45665519-T-C.
Other names: c.5407T>C, p.Ser1803Pro (NM_001308133.2); short protein forms S1803P, S1829P.
Identifiers: ClinVar variation 3631788 (VCV003631788.2).

ClinVar aggregate classification (germline): Uncertain significance (1 of 4 stars; one submission).

Conditions:
Fanconi anemia (FA). Also called: Fanconi's anemia. Identifiers: Orphanet 84, MedGen C0015625, MeSH D005199, MONDO:0019391.

Submission:

Labcorp Genetics (formerly Invitae), Labcorp
Classification: Uncertain significance for Fanconi anemia. Last evaluated: 2024-06-10. Review status: criteria provided, single submitter. Criteria: Invitae Variant Classification Sherloc (09022015). Collection method: clinical testing. Allele origin: germline.
Comment: This sequence change replaces serine, which is neutral and polar, with proline, which is neutral and non-polar, at codon 1829 of the FANCM protein (p.Ser1829Pro). This variant is not present in population databases (gnomAD no frequency). This variant has not been reported in the literature in individuals affected with FANCM-related conditions. An algorithm developed to predict the effect of missense changes on protein structure and function (PolyPhen-2) suggests that this variant is likely to be disruptive. In summary, the available evidence is currently insufficient to determine the role of this variant in disease. Therefore, it has been classified as a Variant of Uncertain Significance.